The following is an entry in ClinVar:

NM_015978.3(TNNI3K):c.406A>G (p.Thr136Ala)

Genes: FPGT-TNNI3K (FPGT-TNNI3K readthrough; plus strand), TNNI3K (TNNI3 interacting kinase; plus strand). Cytogenetic location: 1p31.1.
Variant type: single nucleotide variant.
Coding change: c.406A>G on transcript NM_015978.3 (MANE Select); coding-DNA position 406, A replaced by G.
Protein change: p.Thr136Ala; replaces threonine 136 with alanine.
Molecular consequence: missense variant.
Genome position (GRCh38, 1-based): chr1:74,271,670, A>G. VCF-style: chr1-74271670-A-G. GRCh37 (hg19) VCF-style: chr1-74737354-A-G.
Other names: c.709A>G, p.Thr237Ala (NM_001112808.3, NM_001199327.2); short protein forms T136A, T237A.
Identifiers: ClinVar variation 1449279 (VCV001449279.6), dbSNP rs2100894664, ClinGen allele CA340780834.

ClinVar aggregate classification (germline): Uncertain significance (1 of 4 stars; one submission).

Allele frequency attached by ClinVar (database versions not stated): gnomAD exomes below 0.00001.
gnomAD v4.1: 2 of 1,609,424 alleles (0.00012%); highest among the groups gnomAD compares: African/African-American, 0.0013%; no homozygotes.

Submission:

Labcorp Genetics (formerly Invitae), Labcorp
Classification: Uncertain significance. Last evaluated: 2021-10-08. Review status: criteria provided, single submitter. Criteria: Invitae Variant Classification Sherloc (09022015). Collection method: clinical testing. Allele origin: germline.
Comment: In summary, the available evidence is currently insufficient to determine the role of this variant in disease. Therefore, it has been classified as a Variant of Uncertain Significance. Algorithms developed to predict the effect of missense changes on protein structure and function are either unavailable or do not agree on the potential impact of this missense change (SIFT: "Deleterious"; PolyPhen-2: "Possibly Damaging"; Align-GVGD: "Class C0"). This variant has not been reported in the literature in individuals affected with TNNI3K-related conditions. This variant is not present in population databases (ExAC no frequency). This sequence change replaces threonine with alanine at codon 136 of the TNNI3K protein (p.Thr136Ala). The threonine residue is highly conserved and there is a small physicochemical difference between threonine and alanine.